The following is an entry in ClinVar:

NM_174916.3(UBR1):c.941C>T (p.Ala314Val)

Gene: UBR1 (ubiquitin protein ligase E3 component n-recognin 1; minus strand). Cytogenetic location: 15q15.2.
Variant type: single nucleotide variant.
Coding change: c.941C>T on transcript NM_174916.3 (MANE Select); coding-DNA position 941, C replaced by T.
Protein change: p.Ala314Val; replaces alanine 314 with valine.
Molecular consequence: missense variant.
Genome position (GRCh38, 1-based): chr15:43,059,746, G>A on the plus strand (C>T on the coding strand, the complement: UBR1 is on the minus strand). VCF-style: chr15-43059746-G-A. GRCh37 (hg19) VCF-style: chr15-43351944-G-A.
Other names: short protein forms A314V.
Identifiers: ClinVar variation 2965363 (VCV002965363.3), dbSNP rs2543012688, ClinGen allele CA392077492.

ClinVar aggregate classification (germline): Uncertain significance (1 of 4 stars; one submission).

Allele frequency attached by ClinVar (database versions not stated): gnomAD exomes below 0.00001.

Submission:

Labcorp Genetics (formerly Invitae), Labcorp
Classification: Uncertain significance. Last evaluated: 2023-05-23. Review status: criteria provided, single submitter. Criteria: Invitae Variant Classification Sherloc (09022015). Collection method: clinical testing. Allele origin: germline.
Comment: In summary, the available evidence is currently insufficient to determine the role of this variant in disease. Therefore, it has been classified as a Variant of Uncertain Significance. Advanced modeling of protein sequence and biophysical properties (such as structural, functional, and spatial information, amino acid conservation, physicochemical variation, residue mobility, and thermodynamic stability) performed at Invitae indicates that this missense variant is expected to disrupt UBR1 protein function. This variant has not been reported in the literature in individuals affected with UBR1-related conditions. This variant is not present in population databases (gnomAD no frequency). This sequence change replaces alanine, which is neutral and non-polar, with valine, which is neutral and non-polar, at codon 314 of the UBR1 protein (p.Ala314Val).